The following is an entry in ClinVar:

NM_001079872.2(CUL4B):c.1950T>C (p.Asn650=)

Gene: CUL4B (cullin 4B; minus strand). Cytogenetic location: Xq24.
Variant type: single nucleotide variant.
Coding change: c.1950T>C on transcript NM_001079872.2 (MANE Select); coding-DNA position 1950, T replaced by C.
Protein change: p.Asn650=; no amino-acid change (asparagine 650 retained).
Molecular consequence: synonymous variant.
Genome position (GRCh38, 1-based): chrX:120,537,023, A>G on the plus strand (T>C on the coding strand, the complement: CUL4B is on the minus strand). VCF-style: chrX-120537023-A-G. GRCh37 (hg19) VCF-style: chrX-119670878-A-G.
Other names: c.1965T>C, p.Asn655= (NM_001330624.2); c.1416T>C, p.Asn472= (NM_001369145.1); c.2004T>C, p.Asn668= (NM_003588.4).
Identifiers: ClinVar variation 4978619 (VCV004978619.1).

ClinVar aggregate classification (germline): Likely benign (1 of 4 stars; one submission).

Conditions:
CUL4B-related disorder. Also called: CUL4B-related condition.

Submission:

PreventionGenetics, part of Exact Sciences
Classification: Likely benign for CUL4B-related condition. Last evaluated: 2026-03-31. Review status: criteria provided, single submitter. Criteria: ACMG Guidelines, 2015. Collection method: clinical testing. Allele origin: germline.
Comment: This variant is classified as likely benign based on ACMG/AMP sequence variant interpretation guidelines (Richards et al. 2015 PMID: 25741868, with internal and published modifications).